The following is an entry in ClinVar:

NM_004100.5(EYA4):c.110G>A (p.Ser37Asn)

Gene: EYA4 (EYA transcriptional coactivator and phosphatase 4; plus strand). Cytogenetic location: 6q23.2.
Variant type: single nucleotide variant.
Coding change: c.110G>A on transcript NM_004100.5 (MANE Select); coding-DNA position 110, G replaced by A.
Protein change: p.Ser37Asn; replaces serine 37 with asparagine.
Molecular consequence: missense variant.
Genome position (GRCh38, 1-based): chr6:133,446,656, G>A. VCF-style: chr6-133446656-G-A. GRCh37 (hg19) VCF-style: chr6-133767794-G-A.
Other names: c.110G>A (NM_004100.4); c.110G>A, p.Ser37Asn (NM_001301012.2, NM_001301013.2, NM_001370458.1 and 3 more transcripts); short protein forms S37N.
Identifiers: ClinVar variation 2866361 (VCV002866361.6), dbSNP rs372319742, ClinGen allele CA4007961.

ClinVar aggregate classification (germline): Uncertain significance. Review status: criteria provided, multiple submitters, no conflicts (2 of 4 stars). 3 submissions from 3 submitters: Uncertain significance (3). Last evaluated 2025-07-03.

Conditions:
Cardiovascular phenotype. Identifiers: MedGen CN230736.
Dilated cardiomyopathy 1J (CMD1J). Also called: CARDIOMYOPATHY, DILATED, WITH SENSORINEURAL HEARING LOSS, AUTOSOMAL DOMINANT. Identifiers: Orphanet 217622, MedGen C1854368, MONDO:0011541, OMIM 605362.

Allele frequency attached by ClinVar (database versions not stated): gnomAD 0.00001; TOPMed 0.00001; ExAC 0.00002; gnomAD exomes 0.00002; ESP Exome Variant Server 0.00008.
gnomAD v4.1: 28 of 1,613,830 alleles (0.0017%); highest among the groups gnomAD compares: Non-Finnish European, 0.0022%; no homozygotes.

Submissions (3):

GeneDx
Classification: Uncertain significance. Last evaluated: 2025-07-03. Review status: criteria provided, single submitter. Criteria: GeneDx Variant Classification Process June 2021. Collection method: clinical testing. Allele origin: germline. Affected: yes.
Comment: Not observed at significant frequency in large population cohorts (gnomAD); In silico analysis suggests that this missense variant does not alter protein structure/function; Has not been previously published as pathogenic or benign to our knowledge

Ambry Genetics
Classification: Uncertain significance for Cardiovascular phenotype. Last evaluated: 2025-05-05. Review status: criteria provided, single submitter. Criteria: Ambry Variant Classification Scheme 2023. Collection method: clinical testing. Allele origin: germline.
Comment: The p.S37N variant (also known as c.110G>A), located in coding exon 3 of the EYA4 gene, results from a G to A substitution at nucleotide position 110. The serine at codon 37 is replaced by asparagine, an amino acid with highly similar properties. This amino acid position is highly conserved in available vertebrate species. In addition, the in silico prediction for this alteration is inconclusive. Since supporting evidence is limited at this time, the clinical significance of this alteration remains unclear.

Labcorp Genetics (formerly Invitae), Labcorp
Classification: Uncertain significance for Dilated cardiomyopathy 1J. Last evaluated: 2025-01-20. Review status: criteria provided, single submitter. Criteria: Invitae Variant Classification Sherloc (09022015). Collection method: clinical testing. Allele origin: germline.
Comment: This sequence change replaces serine, which is neutral and polar, with asparagine, which is neutral and polar, at codon 37 of the EYA4 protein (p.Ser37Asn). This variant is present in population databases (rs372319742, gnomAD 0.0009%). This variant has not been reported in the literature in individuals affected with EYA4-related conditions. ClinVar contains an entry for this variant (Variation ID: 2866361). An algorithm developed to predict the effect of missense changes on protein structure and function (PolyPhen-2) suggests that this variant is likely to be disruptive. In summary, the available evidence is currently insufficient to determine the role of this variant in disease. Therefore, it has been classified as a Variant of Uncertain Significance.